The following is an entry in ClinVar:

ClinVar aggregate classification (germline): Conflicting classifications of pathogenicity. Review status: criteria provided, conflicting classifications (1 of 4 stars). 2 submissions from 2 submitters: Likely pathogenic (1); Uncertain significance (1). Last evaluated 2023-08-01.

Conditions:
Dyskeratosis congenita, autosomal dominant 1 (DKCA1). Also called: Dyskeratosis congenita Scoggins type. Identifiers: Orphanet 1775, MedGen C4551974, MONDO:0007485, OMIM 127550. Inheritance: Variable.

Submissions (2):

Labcorp Genetics (formerly Invitae), Labcorp
Classification: Uncertain significance for Dyskeratosis congenita, autosomal dominant 1. Last evaluated: 2023-08-01. Review status: criteria provided, single submitter. Criteria: Invitae Variant Classification Sherloc (09022015). Collection method: clinical testing. Allele origin: germline.
Comment: This variant occurs in the TERC gene, which encodes an RNA molecule that does not result in a protein product. This variant is not present in population databases (gnomAD no frequency). This variant has been observed in individual(s) with clinical features of TERC-related conditions (PMID: 30523342, 34565437). ClinVar contains an entry for this variant (Variation ID: 450523). This variant is located in a region of TERC in which a significant number of disease causing variants have been reported (PMID: 15082312, 21844345, 21931702). These observations suggest that this may be a clinically significant region. In summary, the available evidence is currently insufficient to determine the role of this variant in disease. Therefore, it has been classified as a Variant of Uncertain Significance. This variant is located within the template/pseudoknot domain of the TERC RNA component, which is required for RNA or RNP stability (PMID: 15082312, 21844345).

GeneDx
Classification: Likely pathogenic. Last evaluated: 2017-07-07. Review status: criteria provided, single submitter. Criteria: GeneDx Variant Classification (06012015). Collection method: clinical testing. Allele origin: germline. Affected: yes.
Comment: The r.128 A>G variant was identified in the TERC gene, which encodes the non-translated RNA component of the telomerase complex. The variant has been published previously in association with dyskeratosis congenita (Weidner et al., 2016). The variant is not observed in large population cohorts (Lek et al., 2016; 1000 Genomes Consortium et al., 2015; Exome Variant Server). This substitution occurs at a position that is conserved across species. Variants in the same P2a stem (r.83 T>C, r.83 T>G, r.126 A>G) have been reported in the Human Gene Mutation Database in association with TERC-related disorders (Stenson et al., 2014), supporting the functional importance of this region of the gene. In summary, this variant is likely pathogenic; however, the possibility that it is benign cannot be excluded.

Literature cited by the submitters: PubMed 30523342 (cited by Labcorp Genetics (formerly Invitae), Labcorp); PubMed 34565437 (cited by Labcorp Genetics (formerly Invitae), Labcorp); PubMed 15082312 (cited by Labcorp Genetics (formerly Invitae), Labcorp); PubMed 21844345 (cited by Labcorp Genetics (formerly Invitae), Labcorp); PubMed 21931702 (cited by Labcorp Genetics (formerly Invitae), Labcorp).

NC_000003.12:g.169764933T>C

Genes: TERC (telomerase RNA component; minus strand), LOC110806306 (telomerase RNA component (TERC) promoter; plus strand). Cytogenetic location: 3q26.2.
Variant type: single nucleotide variant.
Genome position: GRCh38 VCF-style: chr3-169764933-T-C. GRCh37 (hg19) VCF-style: chr3-169482721-T-C.
Identifiers: ClinVar variation 450523 (VCV000450523.4), dbSNP rs1553915610, ClinGen allele CA436715711.
Genomic context (GRCh38, chr3:169,764,933, plus strand): 5'-CAGCAGCTGACATTTTTTGTTTGCTCTAGAATGAACGGTGGAAGGCGGCAGGCCGAGGCT[T>C]TTCCGCCCGCTGAAAGTCAGCGAGAAAAACAGCGCGCGGGGAGCAAAAGCACGGCGCCTA-3'